The following is an entry in ClinVar:

NM_018017.4(CCDC186):c.696_700del (p.Asn232fs)

Gene: CCDC186 (coiled-coil domain containing 186; minus strand). Cytogenetic location: 10q25.3.
Variant type: Deletion.
Coding change: c.696_700del on transcript NM_018017.4 (MANE Select); coding-DNA positions 696 to 700, 5 bases deleted (TTTAA; older notation c.696_700delTTTAA).
Protein change: p.Asn232fs; shifts the reading frame from asparagine 232.
Molecular consequence: frameshift variant. On other transcripts: non-coding transcript variant (1).
Genome position (GRCh38, 1-based): chr10:114,157,613-114,157,617, TTAAA deleted on the plus strand (TTTAA on the coding strand, the reverse complement: CCDC186 is on the minus strand); deleting any 5 consecutive bases within chr10:114,157,613-114,157,619 gives the same sequence; the c. name uses the placement nearest the transcript's 3' end. VCF-style (leftmost placement, unchanged base first): chr10-114157612-CTTAAA-C. GRCh37 (hg19) VCF-style: chr10-115917371-CTTAAA-C.
Other names: c.696_700del, p.Asn232fs (NM_001321829.1); short protein forms N232fs.
Identifiers: ClinVar variation 3373567 (VCV003373567.1).

ClinVar aggregate classification (germline): Uncertain significance (1 of 4 stars; one submission).

Submission:

GeneDx
Classification: Uncertain significance. Last evaluated: 2024-03-01. Review status: criteria provided, single submitter. Criteria: GeneDx Variant Classification Process June 2021. Collection method: clinical testing. Allele origin: germline. Affected: yes.
Comment: Frameshift variant predicted to result in protein truncation or nonsense mediated decay in a gene or region of a gene for which loss of function is not a well-established mechanism of disease; Not observed at significant frequency in large population cohorts (gnomAD); Has not been previously published as pathogenic or benign to our knowledge